The following is an entry in ClinVar:

NM_033118.4(MYLK2):c.609C>T (p.Ser203=)

Gene: MYLK2 (myosin light chain kinase 2; plus strand). Cytogenetic location: 20q11.21.
Variant type: single nucleotide variant.
Coding change: c.609C>T on transcript NM_033118.4 (MANE Select); coding-DNA position 609, C replaced by T.
Protein change: p.Ser203=; no amino-acid change (serine 203 retained).
Molecular consequence: synonymous variant.
Genome position (GRCh38, 1-based): chr20:31,821,574, C>T. VCF-style: chr20-31821574-C-T. GRCh37 (hg19) VCF-style: chr20-30409377-C-T.
Identifiers: ClinVar variation 507262 (VCV000507262.3), dbSNP rs748858933, ClinGen allele CA313850153.

ClinVar aggregate classification (germline): Likely benign. Review status: criteria provided, multiple submitters, no conflicts (2 of 4 stars). 2 submissions from 2 submitters: Likely benign (2). Last evaluated 2020-07-05.

Allele frequency attached by ClinVar (database versions not stated): gnomAD exomes below 0.00001 and 0.00005; gnomAD 0.00001; TOPMed 0.00001.
gnomAD v4.1: 75 of 1,613,960 alleles (0.0046%); highest among the groups gnomAD compares: Non-Finnish European, 0.0062%; no homozygotes.

Submissions (2):

Ambry Genetics
Classification: Likely benign. Last evaluated: 2020-07-05. Review status: criteria provided, single submitter. Criteria: Ambry Variant Classification Scheme 2023. Collection method: clinical testing. Allele origin: germline.

GeneDx
Classification: Likely benign. Last evaluated: 2017-02-07. Review status: criteria provided, single submitter. Criteria: GeneDx Variant Classification (06012015). Collection method: clinical testing. Allele origin: germline. Affected: yes.
Comment: This variant is considered likely benign or benign based on one or more of the following criteria: it is a conservative change, it occurs at a poorly conserved position in the protein, it is predicted to be benign by multiple in silico algorithms, and/or has population frequency not consistent with disease.